The following is an entry in ClinVar:

ClinVar aggregate classification (germline): Uncertain significance. Review status: criteria provided, multiple submitters, no conflicts (2 of 4 stars). 2 submissions from 2 submitters: Uncertain significance (2). Last evaluated 2025-06-24.

Allele frequency attached by ClinVar (database versions not stated): gnomAD 0.00001; TOPMed 0.00001; 1000 Genomes Project 30x 0.00016; 1000 Genomes Project 0.00020.
gnomAD v4.1: 17 of 1,523,512 alleles (0.0011%); highest among the groups gnomAD compares: African/African-American, 0.0028%; no homozygotes.

Submissions (2):

Ambry Genetics
Classification: Uncertain significance. Last evaluated: 2025-06-24. Review status: criteria provided, single submitter. Criteria: Ambry Variant Classification Scheme 2023. Collection method: clinical testing. Allele origin: germline.

Labcorp Genetics (formerly Invitae), Labcorp
Classification: Uncertain significance. Last evaluated: 2023-05-08. Review status: criteria provided, single submitter. Criteria: Invitae Variant Classification Sherloc (09022015). Collection method: clinical testing. Allele origin: germline.
Comment: ClinVar contains an entry for this variant (Variation ID: 1942171). This variant has not been reported in the literature in individuals affected with CACNA1B-related conditions. This variant is not present in population databases (gnomAD no frequency). This sequence change replaces arginine, which is basic and polar, with cysteine, which is neutral and slightly polar, at codon 2004 of the CACNA1B protein (p.Arg2004Cys). Advanced modeling of protein sequence and biophysical properties (such as structural, functional, and spatial information, amino acid conservation, physicochemical variation, residue mobility, and thermodynamic stability) performed at Invitae indicates that this missense variant is expected to disrupt CACNA1B protein function. In summary, the available evidence is currently insufficient to determine the role of this variant in disease. Therefore, it has been classified as a Variant of Uncertain Significance.

NM_000718.4(CACNA1B):c.6010C>T (p.Arg2004Cys)

Gene: CACNA1B (calcium voltage-gated channel subunit alpha1 B; plus strand). Cytogenetic location: 9q34.3.
Variant type: single nucleotide variant.
Coding change: c.6010C>T on transcript NM_000718.4 (MANE Select); coding-DNA position 6010, C replaced by T.
Protein change: p.Arg2004Cys; replaces arginine 2004 with cysteine.
Molecular consequence: missense variant.
Genome position (GRCh38, 1-based): chr9:138,118,748, C>T. VCF-style: chr9-138118748-C-T. GRCh37 (hg19) VCF-style: chr9-141013200-C-T.
Other names: c.6010C>T, p.Arg2004Cys (NM_001243812.2); c.6010C>T (NM_000718.3); short protein forms R2004C.
Identifiers: ClinVar variation 1942171 (VCV001942171.4), dbSNP rs547852176, ClinGen allele CA5377568.